The following is an entry in ClinVar:

NM_003611.3(OFD1):c.935+12A>G

Gene: OFD1 (OFD1 centriole and centriolar satellite protein; plus strand). Cytogenetic location: Xp22.2.
Variant type: single nucleotide variant.
Coding change: c.935+12A>G on transcript NM_003611.3 (MANE Select); 12 bases into the intron after coding-DNA position 935, A replaced by G.
Molecular consequence: intron variant.
Genome position (GRCh38, 1-based): chrX:13,749,545, A>G. VCF-style: chrX-13749545-A-G. GRCh37 (hg19) VCF-style: chrX-13767664-A-G.
Other names: c.515+12A>G (NM_001330210.2); c.935+12A>G (NM_001330209.2).
Identifiers: ClinVar variation 682191 (VCV000682191.9), dbSNP rs199773671, ClinGen allele CA10351713.

ClinVar aggregate classification (germline): Benign/Likely benign. Review status: criteria provided, multiple submitters, no conflicts (2 of 4 stars). 2 submissions from 2 submitters: Benign (1); Likely benign (1). Last evaluated 2025-10-06.

Conditions:
Joubert syndrome. Also called: CEREBELLOPARENCHYMAL DISORDER IV; JOUBERT-BOLTSHAUSER SYNDROME; Familial aplasia of the vermis. Identifiers: Orphanet 475, MedGen C5979921, MONDO:0018772.
Orofaciodigital syndrome I (OFD1). Also called: Oral-Facial-Digital Syndrome Type I; OFDS I; Papillon-Leage and Psaume Syndrome. Identifiers: Orphanet 2750, MedGen C1510460, MONDO:0010702, OMIM 311200.

Allele frequency attached by ClinVar (database versions not stated): 1000 Genomes Project 30x 0.00021; 1000 Genomes Project 0.00026; gnomAD exomes 0.00002 and 0.00005; ExAC 0.00006; gnomAD 0.00008 and 0.00010; TOPMed 0.00015.
gnomAD v4.1: 32 of 1,004,251 alleles (0.0032%); highest among the groups gnomAD compares: African/African-American, 0.035%; no homozygotes.

Submissions (2):

Labcorp Genetics (formerly Invitae), Labcorp
Classification: Benign for Orofaciodigital syndrome I; Joubert syndrome. Last evaluated: 2025-10-06. Review status: criteria provided, single submitter. Criteria: Invitae Variant Classification Sherloc (09022015). Collection method: clinical testing. Allele origin: germline.

GeneDx
Classification: Likely benign. Last evaluated: 2018-04-18. Review status: criteria provided, single submitter. Criteria: GeneDx Variant Classification (06012015). Collection method: clinical testing. Allele origin: germline. Affected: yes.
Comment: This variant is considered likely benign or benign based on one or more of the following criteria: it is a conservative change, it occurs at a poorly conserved position in the protein, it is predicted to be benign by multiple in silico algorithms, and/or has population frequency not consistent with disease.